The following is an entry in ClinVar:

ClinVar aggregate classification (germline): Uncertain significance (1 of 4 stars; one submission).

Conditions:
Neurodevelopmental disorder with hypotonia, brain anomalies, distinctive facies, and absent language. Also called: ReNU SYNDROME; RNU4-2-Related Neurodevelopmental Disorder; RNU4-2–Related Autosomal Dominant Neurodevelopmental Disorder. Identifiers: Orphanet 686488, MedGen C5935628, MONDO:0971172, OMIM 620851.

Submission:

Centre for Population Genomics, CPG
Classification: Uncertain significance for RNU4-2-Related Neurodevelopmental Disorder. Last evaluated: 2026-02-11. Review status: criteria provided, single submitter. Criteria: Ellingford et al. (Genome Med. 2022). Collection method: research. Allele origin: germline. Inheritance: Autosomal recessive inheritance. Affected: yes. Observed: 2 variant alleles, 2 homozygotes.
Comment: PM2_supp,PM1,PM3_supp

NR_003137.3(RNU4-2):n.6_7insA

Genes: RNU4-2 (RNA, U4 small nuclear 2; minus strand), SIRT4 (sirtuin 4; plus strand). Cytogenetic location: 12q24.23.
Variant type: Insertion.
Molecular consequence: non-coding transcript variant (on NR_003137.3).
Genome position: GRCh38 VCF-style: chr12-120291897-C-CT. GRCh37 (hg19) VCF-style: chr12-120729700-C-CT.
Identifiers: ClinVar variation 4795806 (VCV004795806.1).